The following is an entry in ClinVar:

ClinVar aggregate classification (germline): Uncertain significance (1 of 4 stars; one submission).

Allele frequency attached by ClinVar (database versions not stated): gnomAD 0.00002; ExAC 0.00001; TOPMed 0.00002.
gnomAD v4.1: 15 of 1,614,016 alleles (0.00093%); highest among the groups gnomAD compares: Non-Finnish European, 0.0013%; no homozygotes.

Submission:

Laboratory for Molecular Medicine, Mass General Brigham Personalized Medicine
Classification: Uncertain significance. Last evaluated: 2019-05-21. Review status: criteria provided, single submitter. Criteria: LMM Criteria. Collection method: clinical testing. Allele origin: germline. Observed: 1 variant allele.
Comment: The p.Gly20Arg variant in SERPINB6 has not been previously reported in individuals with hearing loss, but has been identified in 0.002% (3/129198) of European chromosomes by gnomAD. Computational prediction tools and conservation analysis suggest that this variant may not impact the protein, though this information is not predictive enough to rule out pathogenicity. In summary, the clinical significance of this variant is uncertain. ACMG/AMP Criteria applied: PM2, BP4.

NM_004568.6(SERPINB6):c.58G>C (p.Gly20Arg)

Gene: SERPINB6 (serpin family B member 6; minus strand). Cytogenetic location: 6p25.2.
Variant type: single nucleotide variant.
Coding change: c.58G>C on transcript NM_004568.6 (MANE Select); coding-DNA position 58, G replaced by C.
Protein change: p.Gly20Arg; replaces glycine 20 with arginine.
Molecular consequence: missense variant. On other transcripts: non-coding transcript variant (1), intron variant (1).
Genome position (GRCh38, 1-based): chr6:2,959,275, C>G on the plus strand (G>C on the coding strand, the complement: SERPINB6 is on the minus strand). VCF-style: chr6-2959275-C-G. GRCh37 (hg19) VCF-style: chr6-2959509-C-G.
Other names: c.70G>C, p.Gly24Arg (NM_001195291.3, NM_001374515.1); c.100G>C, p.Gly34Arg (NM_001271822.2); c.115G>C, p.Gly39Arg (NM_001271823.2); c.58G>C, p.Gly20Arg (NM_001271824.2, NM_001271825.2, NM_001297699.2 and 2 more transcripts); c.34-3605G>C (NM_001374517.1); short protein forms G34R, G24R, G20R, G39R.
Identifiers: ClinVar variation 930016 (VCV000930016.4), dbSNP rs775408746, ClinGen allele CA3617666.